The following is an entry in ClinVar:

NM_015295.3(SMCHD1):c.3676_3677delinsAA (p.Pro1226Lys)

Gene: SMCHD1 (structural maintenance of chromosomes flexible hinge domain containing 1; plus strand). Cytogenetic location: 18p11.32.
Variant type: Indel.
Coding change: c.3676_3677delinsAA on transcript NM_015295.3 (MANE Select); coding-DNA positions 3676 to 3677, CC replaced by AA.
Protein change: p.Pro1226Lys; replaces proline 1226 with lysine.
Molecular consequence: missense variant.
Genome position (GRCh38, 1-based): chr18:2,743,803-2,743,804, CC replaced by AA. VCF-style: chr18-2743803-CC-AA. GRCh37 (hg19) VCF-style: chr18-2743801-CC-AA.
Other names: NP_056110.2:p.(Pro1226Lys); short protein forms P1226K.
Identifiers: ClinVar variation 4719267 (VCV004719267.2).

ClinVar aggregate classification (germline): Conflicting classifications of pathogenicity. Review status: criteria provided, conflicting classifications (1 of 4 stars). 2 submissions from 2 submitters: Uncertain significance (1); Likely benign (1). Last evaluated 2026-02-02.

Conditions:
Facioscapulohumeral muscular dystrophy 2 (FSHD2). Also called: MUSCULAR DYSTROPHY, FACIOSCAPULOHUMERAL, TYPE 1B; FACIOSCAPULOHUMERAL MUSCULAR DYSTROPHY 2, DIGENIC; FSHD2, DIGENIC. Identifiers: Orphanet 269, MedGen C1834671, MONDO:0008031, OMIM 158901.

Submissions (2):

Labcorp Genetics (formerly Invitae), Labcorp
Classification: Uncertain significance for Facioscapulohumeral muscular dystrophy 2. Last evaluated: 2026-02-02. Review status: criteria provided, single submitter. Criteria: Invitae Variant Classification Sherloc (09022015). Collection method: clinical testing. Allele origin: germline.
Comment: This sequence change replaces proline, which is neutral and non-polar, with lysine, which is basic and polar, at codon 1226 of the SMCHD1 protein (p.Pro1226Lys). This variant is present in population databases (no rsID available, gnomAD 0.001%). This variant has not been reported in the literature in individuals affected with SMCHD1-related conditions. An algorithm developed to predict the effect of missense changes on protein structure and function (PolyPhen-2) suggests that this variant is likely to be disruptive. In summary, the available evidence is currently insufficient to determine the role of this variant in disease. Therefore, it has been classified as a Variant of Uncertain Significance.

Laboratory of Functional Genomics, Research Centre for Medical Genetics
Classification: Likely benign for Facioscapulohumeral muscular dystrophy 2. Last evaluated: 2024-08-28. Review status: criteria provided, single submitter. Criteria: ACMG Guidelines, 2015. Collection method: clinical testing. Allele origin: germline. Inheritance: Autosomal dominant inheritance. Affected: yes. Observed: 1 variant allele, 1 heterozygote.
Comment: Both individuals demonstrated high global methylation levels, which is not consistent with the hypomethylated profile characteristic of FSHD2. The absence of the variant in the more severely affected daughter and the presence of a clear FSHD1-associated molecular profile argue against a pathogenic role of the variant in FSHD.